The following is an entry in ClinVar:

NM_014795.4(ZEB2):c.2087_2088del (p.Lys696fs)

Gene: ZEB2 (zinc finger E-box binding homeobox 2; minus strand). Cytogenetic location: 2q22.3.
Variant type: Deletion.
Coding change: c.2087_2088del on transcript NM_014795.4 (MANE Select); coding-DNA positions 2087 to 2088, 2 bases deleted (AA; older notation c.2087_2088delAA).
Protein change: p.Lys696fs; shifts the reading frame from lysine 696.
Molecular consequence: frameshift variant.
Genome position (GRCh38, 1-based): chr2:144,399,099-144,399,100, TT deleted on the plus strand (AA on the coding strand, the reverse complement: ZEB2 is on the minus strand); deleting any 2 consecutive bases within chr2:144,399,099-144,399,102 gives the same sequence; the c. name uses the placement nearest the transcript's 3' end. VCF-style (leftmost placement, unchanged base first): chr2-144399098-CTT-C. GRCh37 (hg19) VCF-style: chr2-145156665-CTT-C.
Other names: c.2015_2016del, p.Lys672fs (NM_001171653.2); short protein forms K672fs, K696fs.
Identifiers: ClinVar variation 2873762 (VCV002873762.3), dbSNP rs2549106196, ClinGen allele CA2739271220.
Genomic context (GRCh38, chr2:144,399,098, plus strand): 5'-GAGCTAACGGCTTGGAGCTTCTTTCCAGGGATGGGGACCTGGAATTTGAGTACTGGTAGA[CTT>C]TTCGTTGTTCAAACCATTCCTTCACAAATTCCTGAGGAAGGCCCACAGCAATGGAAATTT-3'

ClinVar aggregate classification (germline): Pathogenic (1 of 4 stars; one submission).

Conditions:
Mowat-Wilson syndrome (MOWS). Also called: Classic Mowat-Wilson Syndrome. Identifiers: Orphanet 2152, MedGen C1856113, MONDO:0009341, OMIM 235730.

Submission:

Labcorp Genetics (formerly Invitae), Labcorp
Classification: Pathogenic for Mowat-Wilson syndrome. Last evaluated: 2023-05-22. Review status: criteria provided, single submitter. Criteria: Invitae Variant Classification Sherloc (09022015). Collection method: clinical testing. Allele origin: germline.
Comment: For these reasons, this variant has been classified as Pathogenic. This variant has not been reported in the literature in individuals affected with ZEB2-related conditions. This variant is not present in population databases (gnomAD no frequency). This sequence change creates a premature translational stop signal (p.Lys696Serfs*24) in the ZEB2 gene. It is expected to result in an absent or disrupted protein product. Loss-of-function variants in ZEB2 are known to be pathogenic (PMID: 16053902).

Literature cited by the submitters: PubMed 16053902.